The following is an entry in ClinVar:

NM_004360.5(CDH1):c.1217C>G (p.Thr406Ser)

Gene: CDH1 (cadherin 1; plus strand). Cytogenetic location: 16q22.1.
Variant type: single nucleotide variant.
Coding change: c.1217C>G on transcript NM_004360.5 (MANE Select); coding-DNA position 1217, C replaced by G.
Protein change: p.Thr406Ser; replaces threonine 406 with serine.
Molecular consequence: missense variant. On other transcripts: 5 prime UTR variant (2), intron variant (1).
Genome position (GRCh38, 1-based): chr16:68,813,392, C>G. VCF-style: chr16-68813392-C-G. GRCh37 (hg19) VCF-style: chr16-68847295-C-G.
Other names: c.-399C>G (NM_001317185.2); c.-603C>G (NM_001317186.2); c.1137+1129C>G (NM_001317184.2); c.1217C>G (NM_004360.3); short protein forms T406S.
Identifiers: ClinVar variation 1012012 (VCV001012012.12), dbSNP rs753770270, ClinGen allele CA396461355.

ClinVar aggregate classification (germline): Conflicting classifications of pathogenicity. Review status: criteria provided, conflicting classifications (1 of 4 stars). 2 submissions from 2 submitters: Uncertain significance (1); Likely benign (1). Last evaluated 2026-06-12.

Conditions:
Hereditary diffuse gastric adenocarcinoma (HDGC). Also called: DIFFUSE GASTRIC AND LOBULAR BREAST CANCER SYNDROME. Identifiers: Orphanet 26106, MedGen C1708349, MONDO:0007648, OMIM 137215.
Hereditary cancer-predisposing syndrome. Also called: Hereditary neoplastic syndrome; Neoplastic Syndromes, Hereditary; Tumor predisposition; Hereditary Cancer Syndrome. Identifiers: Orphanet 140162, MedGen C0027672, MeSH D009386, MONDO:0015356.

Allele frequency attached by ClinVar (database versions not stated): gnomAD 0.00001; TOPMed below 0.00001.
gnomAD v4.1: 1 of 1,613,990 alleles (0.000062%); highest among the groups gnomAD compares: African/African-American, 0.0013%; no homozygotes.

Submissions (2):

Ambry Genetics
Classification: Likely benign for Hereditary cancer-predisposing syndrome. Last evaluated: 2026-06-12. Review status: criteria provided, single submitter. Criteria: Ambry Variant Classification Scheme 2023. Collection method: clinical testing. Allele origin: germline.

Labcorp Genetics (formerly Invitae), Labcorp
Classification: Uncertain significance for Hereditary diffuse gastric adenocarcinoma. Last evaluated: 2024-11-04. Review status: criteria provided, single submitter. Criteria: Invitae Variant Classification Sherloc (09022015). Collection method: clinical testing. Allele origin: germline.
Comment: This sequence change replaces threonine, which is neutral and polar, with serine, which is neutral and polar, at codon 406 of the CDH1 protein (p.Thr406Ser). This variant is not present in population databases (gnomAD no frequency). This variant has not been reported in the literature in individuals affected with CDH1-related conditions. ClinVar contains an entry for this variant (Variation ID: 1012012). An algorithm developed to predict the effect of missense changes on protein structure and function (PolyPhen-2) suggests that this variant is likely to be tolerated. In summary, the available evidence is currently insufficient to determine the role of this variant in disease. Therefore, it has been classified as a Variant of Uncertain Significance.